The following is an entry in ClinVar:

NM_001710.6(CFB):c.1101C>G (p.Ser367Arg)

Gene: CFB (complement factor B; plus strand). Cytogenetic location: 6p21.33.
Variant type: single nucleotide variant.
Coding change: c.1101C>G on transcript NM_001710.6 (MANE Select); coding-DNA position 1101, C replaced by G.
Protein change: p.Ser367Arg; replaces serine 367 with arginine.
Molecular consequence: missense variant.
Genome position (GRCh38, 1-based): chr6:31,948,894, C>G. VCF-style: chr6-31948894-C-G. GRCh37 (hg19) VCF-style: chr6-31916671-C-G.
Other names: short protein forms S367R.
Identifiers: ClinVar variation 4280406 (VCV004280406.1).

ClinVar aggregate classification (germline): Pathogenic (1 of 4 stars; one submission).

Conditions:
Atypical hemolytic-uremic syndrome. Identifiers: Orphanet 2134, MedGen C2931788, MONDO:0016244.

Submission:

Genomenon, Inc
Classification: Pathogenic for Atypical hemolytic-uremic syndrome. Last evaluated: 2025-09-26. Review status: criteria provided, single submitter. Criteria: Genomenon Sequence Variant Interpretation Standards - Updated. Collection method: curation. Allele origin: germline. Affected: yes.
Comment: CFB p.Ser367Arg (c.1101C>G) is a missense variant that changes the amino acid at residue 367 from Serine to Arginine. This variant has been observed in at least one proband affected with atypical hemolytic-uremic syndrome (PMID:32540405). The variant was found to segregate with disease in at least one affected family (PMID:32540405). At least one functional study has demonstrated a substantial alteration in protein function relative to the wild-type (PMID:32540405). It is absent or not present at a significant frequency in gnomAD. In silico models agree that this variant is possibly or probably damaging. In conclusion, we classify CFB p.Ser367Arg (c.1101C>G) as a pathogenic variant.

Literature cited by the submitters: PubMed 32540405.